The following is an entry in ClinVar:

NM_000038.6(APC):c.7612A>T (p.Arg2538Ter)

Gene: APC (APC regulator of Wnt signaling pathway; plus strand). Cytogenetic location: 5q22.2.
Variant type: single nucleotide variant.
Coding change: c.7612A>T on transcript NM_000038.6 (MANE Select); coding-DNA position 7612, A replaced by T.
Protein change: p.Arg2538Ter; replaces arginine 2538 with a stop codon.
Molecular consequence: nonsense.
Genome position (GRCh38, 1-based): chr5:112,843,206, A>T. VCF-style: chr5-112843206-A-T. GRCh37 (hg19) VCF-style: chr5-112178903-A-T.
Other names: c.7612A>T, p.Arg2538Ter (NM_001127510.3, NM_001354895.2, NM_001407450.1); c.7558A>T, p.Arg2520Ter (NM_001127511.3); c.7666A>T, p.Arg2556Ter (NM_001354896.2, NM_001407447.1, NM_001407448.1 and 1 more transcripts); c.7642A>T, p.Arg2548Ter (NM_001354897.2); c.7537A>T, p.Arg2513Ter (NM_001354898.2); c.7528A>T, p.Arg2510Ter (NM_001354899.2); c.7489A>T, p.Arg2497Ter (NM_001354900.2); c.7435A>T, p.Arg2479Ter (NM_001354901.2, NM_001407453.1); and 11 more; short protein forms R2455*, R2510*, R2528*, R2531*, R2556*, R2437*, R2497*, R2378*.
Identifiers: ClinVar variation 1759808 (VCV001759808.2), dbSNP rs1766523945, ClinGen allele CA16037867.

ClinVar aggregate classification (germline): Likely pathogenic (1 of 4 stars; one submission).

Conditions:
Hereditary cancer-predisposing syndrome. Also called: Neoplastic Syndromes, Hereditary; Tumor predisposition; Hereditary Cancer Syndrome; Hereditary neoplastic syndrome. Identifiers: Orphanet 140162, MedGen C0027672, MeSH D009386, MONDO:0015356.

Submission:

Ambry Genetics
Classification: Likely pathogenic for Hereditary cancer-predisposing syndrome. Last evaluated: 2021-02-04. Review status: criteria provided, single submitter. Criteria: Ambry Variant Classification Scheme 2023. Collection method: clinical testing. Allele origin: germline.
Comment: The p.R2538* variant (also known as c.7612A>T), located in coding exon 15 of the APC gene, results from an A to T substitution at nucleotide position 7612. This changes the amino acid from an arginine to a stop codon within coding exon 15. This alteration occurs at the 3' terminus of theAPC gene, is not expected to trigger nonsense-mediated mRNA decay, and only impacts the last 10% of the protein. However, premature stop codons are typically deleterious in nature, and structural analysis suggests this deletion removes a known motif (Thr2841-Ser2842-Val2843) needed for protein binding involved in regulation of protein function (Slep KC et al, PLoS ONE 2012; 7(11):e50097; Zhang Z et al, PLoS ONE 2011; 6(8):e23507). This variant was not reported in population-based cohorts in the Genome Aggregation Database (gnomAD). Based on the majority of available evidence to date, this variant is likely to be pathogenic.